The following is an entry in ClinVar:

ClinVar aggregate classification (germline): Uncertain significance (1 of 4 stars; one submission).

Submission:

Labcorp Genetics (formerly Invitae), Labcorp
Classification: Uncertain significance. Last evaluated: 2022-03-20. Review status: criteria provided, single submitter. Criteria: Invitae Variant Classification Sherloc (09022015). Collection method: clinical testing. Allele origin: germline.
Comment: This sequence change replaces histidine, which is basic and polar, with glutamine, which is neutral and polar, at codon 245 of the CA4 protein (p.His245Gln). This variant is not present in population databases (gnomAD no frequency). This variant has not been reported in the literature in individuals affected with CA4-related conditions. Algorithms developed to predict the effect of missense changes on protein structure and function output the following: SIFT: "Not Available"; PolyPhen-2: "Benign"; Align-GVGD: "Not Available". The glutamine amino acid residue is found in multiple mammalian species, which suggests that this missense change does not adversely affect protein function. In summary, the available evidence is currently insufficient to determine the role of this variant in disease. Therefore, it has been classified as a Variant of Uncertain Significance.

NM_000717.5(CA4):c.735C>A (p.His245Gln)

Gene: CA4 (carbonic anhydrase 4; plus strand). Cytogenetic location: 17q23.1.
Variant type: single nucleotide variant.
Coding change: c.735C>A on transcript NM_000717.5 (MANE Select); coding-DNA position 735, C replaced by A.
Protein change: p.His245Gln; replaces histidine 245 with glutamine.
Molecular consequence: missense variant. On other transcripts: non-coding transcript variant (1).
Genome position (GRCh38, 1-based): chr17:60,158,437, C>A. VCF-style: chr17-60158437-C-A. GRCh37 (hg19) VCF-style: chr17-58235798-C-A.
Other names: short protein forms H245Q.
Identifiers: ClinVar variation 1957684 (VCV001957684.5), dbSNP rs2544524728, ClinGen allele CA400460109.